The following is an entry in ClinVar:

ClinVar aggregate classification (germline): Uncertain significance (1 of 4 stars; one submission).

Conditions:
Hyperammonemia, type III (NAGSD). Also called: Hyperammonemia due to N-acetylglutamate synthase deficiency. Identifiers: Orphanet 927, MedGen C0268543, MONDO:0009377, OMIM 237310.

Submission:

Labcorp Genetics (formerly Invitae), Labcorp
Classification: Uncertain significance for Hyperammonemia, type III. Last evaluated: 2022-03-26. Review status: criteria provided, single submitter. Criteria: Invitae Variant Classification Sherloc (09022015). Collection method: clinical testing. Allele origin: germline.
Comment: This sequence change replaces methionine, which is neutral and non-polar, with leucine, which is neutral and non-polar, at codon 169 of the NAGS protein (p.Met169Leu). Information on the frequency of this variant in the gnomAD database is not available, as this variant may be reported differently in the database. This variant has not been reported in the literature in individuals affected with NAGS-related conditions. ClinVar contains an entry for this variant (Variation ID: 840787). Experimental studies and prediction algorithms are not available or were not evaluated, and the functional significance of this variant is currently unknown. In summary, the available evidence is currently insufficient to determine the role of this variant in disease. Therefore, it has been classified as a Variant of Uncertain Significance.

NM_153006.3(NAGS):c.504_505delinsTT (p.Met169Leu)

Gene: NAGS (N-acetylglutamate synthase; plus strand). Cytogenetic location: 17q21.31.
Variant type: Indel.
Coding change: c.504_505delinsTT on transcript NM_153006.3 (MANE Select); coding-DNA positions 504 to 505, CA replaced by TT.
Protein change: p.Met169Leu; replaces methionine 169 with leucine.
Molecular consequence: missense variant.
Genome position (GRCh38, 1-based): chr17:44,005,714-44,005,715, CA replaced by TT. VCF-style: chr17-44005714-CA-TT. GRCh37 (hg19) VCF-style: chr17-42083082-CA-TT.
Other names: short protein forms M169L.
Identifiers: ClinVar variation 840787 (VCV000840787.3), dbSNP rs2049077729, ClinGen allele CA916083542.